The following is an entry in ClinVar:

NM_198859.4(PRICKLE2):c.346G>A (p.Gly116Arg)

Gene: PRICKLE2 (prickle planar cell polarity protein 2; minus strand). Cytogenetic location: 3p14.1.
Variant type: single nucleotide variant.
Coding change: c.346G>A on transcript NM_198859.4 (MANE Select); coding-DNA position 346, G replaced by A.
Protein change: p.Gly116Arg; replaces glycine 116 with arginine.
Molecular consequence: missense variant.
Genome position (GRCh38, 1-based): chr3:64,159,990, C>T on the plus strand (G>A on the coding strand, the complement: PRICKLE2 is on the minus strand). VCF-style: chr3-64159990-C-T. GRCh37 (hg19) VCF-style: chr3-64145666-C-T.
Other names: c.346G>A, p.Gly116Arg (NM_001370528.1); short protein forms G116R.
Identifiers: ClinVar variation 3693286 (VCV003693286.2).

ClinVar aggregate classification (germline): Uncertain significance (1 of 4 stars; one submission).

Conditions:
Progressive myoclonic epilepsy type 5. Identifiers: Orphanet 402082, MedGen C5190799.

gnomAD v4.1: 1 of 1,614,134 alleles (0.000062%); highest among the groups gnomAD compares: Non-Finnish European, 0.000085%; no homozygotes.

Submission:

Labcorp Genetics (formerly Invitae), Labcorp
Classification: Uncertain significance for Progressive myoclonic epilepsy type 5. Last evaluated: 2024-02-26. Review status: criteria provided, single submitter. Criteria: Invitae Variant Classification Sherloc (09022015). Collection method: clinical testing. Allele origin: germline.
Comment: This sequence change replaces glycine, which is neutral and non-polar, with arginine, which is basic and polar, at codon 116 of the PRICKLE2 protein (p.Gly116Arg). This variant is not present in population databases (gnomAD no frequency). This variant has not been reported in the literature in individuals affected with PRICKLE2-related conditions. Advanced modeling of protein sequence and biophysical properties (such as structural, functional, and spatial information, amino acid conservation, physicochemical variation, residue mobility, and thermodynamic stability) performed at Invitae indicates that this missense variant is expected to disrupt PRICKLE2 protein function with a positive predictive value of 80%. In summary, the available evidence is currently insufficient to determine the role of this variant in disease. Therefore, it has been classified as a Variant of Uncertain Significance.